The following is an entry in ClinVar:

NM_020632.3(ATP6V0A4):c.2258-1G>A

Gene: ATP6V0A4 (ATPase H+ transporting V0 subunit a4; minus strand). Cytogenetic location: 7q34.
Variant type: single nucleotide variant.
Coding change: c.2258-1G>A on transcript NM_020632.3 (MANE Select); the canonical splice acceptor site of the intron before coding-DNA position 2258, G replaced by A.
Molecular consequence: splice acceptor variant.
Genome position (GRCh38, 1-based): chr7:138,709,796, C>T on the plus strand (G>A on the coding strand, the complement: ATP6V0A4 is on the minus strand). VCF-style: chr7-138709796-C-T. GRCh37 (hg19) VCF-style: chr7-138394541-C-T.
Other names: c.2258-1G>A (NM_130840.3, NM_130841.3).
Identifiers: ClinVar variation 955469 (VCV000955469.10), dbSNP rs1803643769, ClinGen allele CA369375394.

ClinVar aggregate classification (germline): Pathogenic (1 of 4 stars; one submission).

Submission:

Labcorp Genetics (formerly Invitae), Labcorp
Classification: Pathogenic. Last evaluated: 2019-11-16. Review status: criteria provided, single submitter. Criteria: Invitae Variant Classification Sherloc (09022015). Collection method: clinical testing. Allele origin: germline.
Comment: For these reasons, this variant has been classified as Pathogenic. Donor and acceptor splice site variants typically lead to a loss of protein function (PMID: 16199547), and loss-of-function variants in ATP6V0A4 are known to be pathogenic (PMID: 12414817, 16611712). Algorithms developed to predict the effect of sequence changes on RNA splicing suggest that this variant may disrupt the consensus splice site, but this prediction has not been confirmed by published transcriptional studies. Disruption of this splice site has been observed in individual(s) with renal tubular acidosis (PMID: 24975934, Invitae). This variant is not present in population databases (ExAC no frequency). This sequence change affects an acceptor splice site in intron 20 of the ATP6V0A4 gene. It is expected to disrupt RNA splicing and likely results in an absent or disrupted protein product.

Literature cited by the submitters: PubMed 16199547; PubMed 12414817; PubMed 16611712; PubMed 24975934.